The following is an entry in ClinVar:

NM_174889.5(NDUFAF2):c.9_10del (p.Trp3fs)

Gene: NDUFAF2 (NADH:ubiquinone oxidoreductase complex assembly factor 2; plus strand). Cytogenetic location: 5q12.1.
Variant type: Deletion.
Coding change: c.9_10del on transcript NM_174889.5 (MANE Select); coding-DNA positions 9 to 10, 2 bases deleted (GT; older notation c.9_10delGT).
Protein change: p.Trp3fs; shifts the reading frame from tryptophan 3.
Molecular consequence: frameshift variant.
Genome position (GRCh38, 1-based): chr5:60,945,264-60,945,265, GT deleted. VCF-style (leftmost placement, unchanged base first): chr5-60945263-GGT-G. GRCh37 (hg19) VCF-style: chr5-60241090-GGT-G.
Other names: short protein forms W3fs.
Identifiers: ClinVar variation 2429317 (VCV002429317.3), dbSNP rs2531892073, ClinGen allele CA2580073787.

ClinVar aggregate classification (germline): Likely pathogenic (1 of 4 stars; one submission).

Conditions:
Leigh syndrome (NULS). Also called: Leigh's syndrome; Leigh Disease; Subacute necrotizing encephalopathy; Necrotizing encephalopathy infantile subacute of Leigh; LEIGH SYNDROME, NUCLEAR; Leigh's necrotizing encephalopathy. Identifiers: Orphanet 506, MedGen C2931891, MONDO:0009723, OMIM 256000.

Submission:

Women's Health and Genetics/Laboratory Corporation of America, LabCorp
Classification: Likely pathogenic for Leigh syndrome. Last evaluated: 2023-01-06. Review status: criteria provided, single submitter. Criteria: LabCorp Variant Classification Summary - May 2015. Collection method: clinical testing. Allele origin: germline.
Comment: Variant summary: NDUFAF2 c.9_10delGT (p.Trp3CysfsX54) results in a premature termination codon, predicted to cause a truncation of the encoded protein or absence of the protein due to nonsense mediated decay, which are commonly known mechanisms for disease. Truncations downstream of this position have been classified as pathogenic by our laboratory. The variant was absent in 249980 control chromosomes (gnomAD). To our knowledge, no occurrence of c.9_10delGT in individuals affected with Leigh Syndrome and no experimental evidence demonstrating its impact on protein function have been reported. No clinical diagnostic laboratories have submitted clinical-significance assessments for this variant to ClinVar after 2014. Based on the evidence outlined above, the variant was classified as likely pathogenic.